The following is an entry in ClinVar:

ClinVar aggregate classification (germline): Uncertain significance. Review status: criteria provided, single submitter (1 of 4 stars). 2 submissions from 2 submitters: Uncertain significance (1). 1 of the submissions does not count toward it. Last evaluated 2022-04-13.

Conditions:
Mucopolysaccharidosis, MPS-III-C (MPS3C). Also called: MPS IIIC (Sanfilippo Syndrome Type C); MUCOPOLYSACCHARIDOSIS, TYPE IIIC; Mucopolysaccharidosis type IIIC (Sanfilippo C); mucopolysaccharidosis type 3C; SANFILIPPO SYNDROME C; MPS III C. Identifiers: Orphanet 581, Orphanet 79271, MedGen C0086649, MONDO:0009657, OMIM 252930.
Retinitis pigmentosa 73 (RP73). Identifiers: Orphanet 791, MedGen C4225287, MONDO:0014687, OMIM 616544.

Allele frequency attached by ClinVar (database versions not stated): ExAC 0.00001; gnomAD 0.00001 and below 0.00001; 1000 Genomes Project 0.00020; gnomAD exomes below 0.00001 and 0.00001; 1000 Genomes Project 30x 0.00031.
gnomAD v4.1: 13 of 1,613,734 alleles (0.00081%); highest among the groups gnomAD compares: South Asian, 0.0099%; no homozygotes.

Submissions (2):

Labcorp Genetics (formerly Invitae), Labcorp
Classification: Uncertain significance for Retinitis pigmentosa 73; Mucopolysaccharidosis, MPS-III-C. Last evaluated: 2022-04-13. Review status: criteria provided, single submitter. Criteria: Invitae Variant Classification Sherloc (09022015). Collection method: clinical testing. Allele origin: germline.
Comment: This sequence change replaces glutamic acid, which is acidic and polar, with lysine, which is basic and polar, at codon 157 of the HGSNAT protein (p.Glu157Lys). This variant is present in population databases (rs553837106, gnomAD 0.003%). This variant has not been reported in the literature in individuals affected with HGSNAT-related conditions. ClinVar contains an entry for this variant (Variation ID: 1007789). Advanced modeling of protein sequence and biophysical properties (such as structural, functional, and spatial information, amino acid conservation, physicochemical variation, residue mobility, and thermodynamic stability) performed at Invitae indicates that this missense variant is not expected to disrupt HGSNAT protein function. In summary, the available evidence is currently insufficient to determine the role of this variant in disease. Therefore, it has been classified as a Variant of Uncertain Significance.

Natera, Inc.
Classification: Uncertain significance for Mucopolysaccharidosis type IIIC. Last evaluated: 2020-11-02. Review status: no assertion criteria provided. Collection method: clinical testing. Allele origin: germline. Not counted in ClinVar's aggregate classification.

NM_152419.3(HGSNAT):c.469G>A (p.Glu157Lys)

Gene: HGSNAT (heparan-alpha-glucosaminide N-acetyltransferase; plus strand). Cytogenetic location: 8p11.21.
Variant type: single nucleotide variant.
Coding change: c.469G>A on transcript NM_152419.3 (MANE Select); coding-DNA position 469, G replaced by A.
Protein change: p.Glu157Lys; replaces glutamic acid 157 with lysine.
Molecular consequence: missense variant. On other transcripts: 5 prime UTR variant (1).
Genome position (GRCh38, 1-based): chr8:43,159,020, G>A. VCF-style: chr8-43159020-G-A. GRCh37 (hg19) VCF-style: chr8-43014163-G-A.
Other names: c.469G>A, p.Glu157Lys (NM_001363227.2, NM_001363228.2); c.-365G>A (NM_001363229.2); short protein forms E157K.
Identifiers: ClinVar variation 1007789 (VCV001007789.3), dbSNP rs553837106, ClinGen allele CA4736512.